The following is an entry in ClinVar:

ClinVar aggregate classification (germline): Uncertain significance (1 of 4 stars; one submission).

Conditions:
Early-infantile DEE. Also called: Early infantile epileptic encephalopathy; Early infantile epileptic encephalopathy with suppression bursts; Ohtahara syndrome. Identifiers: Orphanet 1934, MedGen C0393706, MONDO:0800491.

Submission:

Labcorp Genetics (formerly Invitae), Labcorp
Classification: Uncertain significance for Early-infantile DEE. Last evaluated: 2024-10-23. Review status: criteria provided, single submitter. Criteria: Invitae Variant Classification Sherloc (09022015). Collection method: clinical testing. Allele origin: germline.
Comment: This variant, c.947_952dup, results in the insertion of 2 amino acid(s) of the SCN1A protein (p.Tyr317_Ile318insThrTyr), but otherwise preserves the integrity of the reading frame. This variant is not present in population databases (gnomAD no frequency). This variant has not been reported in the literature in individuals affected with SCN1A-related conditions. ClinVar contains an entry for this variant (Variation ID: 2097394). Experimental studies and prediction algorithms are not available or were not evaluated, and the functional significance of this variant is currently unknown. In summary, the available evidence is currently insufficient to determine the role of this variant in disease. Therefore, it has been classified as a Variant of Uncertain Significance.

NM_001165963.4(SCN1A):c.947_952dup (p.Tyr317_Ile318insThrTyr)

Gene: SCN1A (sodium voltage-gated channel alpha subunit 1; minus strand). Cytogenetic location: 2q24.3.
Variant type: Duplication.
Coding change: c.947_952dup on transcript NM_001165963.4 (MANE Select); coding-DNA positions 947 to 952, 6 bases duplicated (CATATA; older notation c.947_952dupCATATA).
Protein change: p.Tyr317_Ile318insThrTyr.
Molecular consequence: inframe insertion. On other transcripts: 5 prime UTR variant (1), non-coding transcript variant (1).
Genome position (GRCh38, 1-based): chr2:166,051,731-166,051,736, TATATG duplicated on the plus strand (CATATA on the coding strand, the reverse complement: SCN1A is on the minus strand). VCF-style (leftmost placement, unchanged base first): chr2-166051730-A-ATATATG. GRCh37 (hg19) VCF-style: chr2-166908240-A-ATATATG.
Other names: c.947_952dup, p.Tyr317_Ile318insThrTyr (NM_001165964.3, NM_001202435.3, NM_001353948.2 and 10 more transcripts); c.-1479_-1474dup (NM_001353961.2).
Identifiers: ClinVar variation 2097394 (VCV002097394.4), dbSNP rs2468220805, ClinGen allele CA2580064427.